The following is an entry in ClinVar:

ClinVar aggregate classification (germline): Likely benign. Review status: criteria provided, multiple submitters, no conflicts (2 of 4 stars). 3 submissions from 3 submitters: Likely benign (3). Last evaluated 2024-09-08.

Conditions:
Methylcobalamin deficiency type cblG (HMAG). Also called: Functional methionine synthase deficiency type cblG; HOMOCYSTINURIA-MEGALOBLASTIC ANEMIA, cblG COMPLEMENTATION TYPE; HOMOCYSTINURIA-MEGALOBLASTIC ANEMIA, cblG TYPE; HOMOCYSTINURIA-MEGALOBLASTIC ANEMIA DUE TO DEFECT IN COBALAMIN METABOLISM, cblG COMPLEMENTATION TYPE. Identifiers: Orphanet 2170, Orphanet 622, MedGen C1855128, MONDO:0009609, OMIM 250940.

Allele frequency attached by ClinVar (database versions not stated): gnomAD 0.00002 and 0.00003; gnomAD exomes 0.00002 and 0.00005; TOPMed 0.00003; ExAC 0.00004.
gnomAD v4.1: 27 of 1,613,266 alleles (0.0017%); highest among the groups gnomAD compares: Middle Eastern, 0.05%; no homozygotes.

Submissions (3):

Labcorp Genetics (formerly Invitae), Labcorp
Classification: Likely benign for Methylcobalamin deficiency type cblG. Last evaluated: 2024-09-08. Review status: criteria provided, single submitter. Criteria: Invitae Variant Classification Sherloc (09022015). Collection method: clinical testing. Allele origin: germline.

GeneDx
Classification: Likely benign. Last evaluated: 2017-04-21. Review status: criteria provided, single submitter. Criteria: GeneDx Variant Classification (06012015). Collection method: clinical testing. Allele origin: germline. Affected: yes.
Comment: This variant is considered likely benign or benign based on one or more of the following criteria: it is a conservative change, it occurs at a poorly conserved position in the protein, it is predicted to be benign by multiple in silico algorithms, and/or has population frequency not consistent with disease.

Breakthrough Genomics
Classification: Likely benign. Review status: criteria provided, single submitter. Criteria: ACMG Guidelines, 2015. Collection method: not provided. Allele origin: germline. Inheritance: Autosomal recessive inheritance. Affected: yes.

NM_000254.3(MTR):c.486G>A (p.Pro162=)

Gene: MTR (5-methyltetrahydrofolate-homocysteine methyltransferase; plus strand). Cytogenetic location: 1q43.
Variant type: single nucleotide variant.
Coding change: c.486G>A on transcript NM_000254.3 (MANE Select); coding-DNA position 486, G replaced by A.
Protein change: p.Pro162=; no amino-acid change (proline 162 retained).
Molecular consequence: synonymous variant. On other transcripts: 5 prime UTR variant (1).
Genome position (GRCh38, 1-based): chr1:236,810,579, G>A. VCF-style: chr1-236810579-G-A. GRCh37 (hg19) VCF-style: chr1-236973879-G-A.
Other names: c.486G>A, p.Pro162= (NM_001291939.1); c.-623G>A (NM_001291940.2).
Identifiers: ClinVar variation 508263 (VCV000508263.9), dbSNP rs747494979, ClinGen allele CA1473747.